The following is an entry in ClinVar:

ClinVar aggregate classification (germline): Likely benign. Review status: criteria provided, multiple submitters, no conflicts (2 of 4 stars). 3 submissions from 3 submitters: Likely benign (3). Last evaluated 2024-08-21.

Conditions:
Familial cancer of breast. Also called: BREAST CANCER, FAMILIAL; Hereditary breast cancer; hereditary breast carcinoma. Identifiers: Orphanet 227535, MedGen C0346153, MONDO:0016419, OMIM 114480. Disease mechanism: loss of function.
Fanconi anemia complementation group J. Also called: BRIP1-Related Fanconi Anemia. Identifiers: Orphanet 84, MedGen C1836860, MONDO:0012187, OMIM 609054.

Allele frequency attached by ClinVar (database versions not stated): gnomAD exomes below 0.00001.
gnomAD v4.1: 4 of 1,613,332 alleles (0.00025%); highest among the groups gnomAD compares: Non-Finnish European, 0.00025%; no homozygotes.

Submissions (3):

Myriad Genetics, Inc.
Classification: Likely benign for Familial cancer of breast. Last evaluated: 2024-08-21. Review status: criteria provided, single submitter. Criteria: Myriad Autosomal Dominant, Autosomal Recessive and X-Linked Classification Criteria (2023). Collection method: clinical testing. Allele origin: unknown.
Comment: This variant is considered likely benign. This variant is intronic and is not expected to impact mRNA splicing.

Labcorp Genetics (formerly Invitae), Labcorp
Classification: Likely benign for Familial cancer of breast; Fanconi anemia complementation group J. Last evaluated: 2024-01-26. Review status: criteria provided, single submitter. Criteria: Invitae Variant Classification Sherloc (09022015). Collection method: clinical testing. Allele origin: germline.

GeneDx
Classification: Likely benign. Last evaluated: 2017-09-29. Review status: criteria provided, single submitter. Criteria: GeneDx Variant Classification (06012015). Collection method: clinical testing. Allele origin: germline. Affected: yes.
Comment: This variant is considered likely benign or benign based on one or more of the following criteria: it is a conservative change, it occurs at a poorly conserved position in the protein, it is predicted to be benign by multiple in silico algorithms, and/or has population frequency not consistent with disease.

NM_032043.3(BRIP1):c.508-16G>C

Gene: BRIP1 (BRCA1 interacting DNA helicase 1; minus strand). Cytogenetic location: 17q23.2.
Variant type: single nucleotide variant.
Coding change: c.508-16G>C on transcript NM_032043.3 (MANE Select); 16 bases into the intron before coding-DNA position 508, G replaced by C.
Molecular consequence: intron variant.
Genome position (GRCh38, 1-based): chr17:61,847,236, C>G on the plus strand (G>C on the coding strand, the complement: BRIP1 is on the minus strand). VCF-style: chr17-61847236-C-G. GRCh37 (hg19) VCF-style: chr17-59924597-C-G.
Identifiers: ClinVar variation 512447 (VCV000512447.10), dbSNP rs1423428195, ClinGen allele CA658798939.